The following is an entry in ClinVar:

NM_001330260.2(SCN8A):c.4435A>G (p.Ile1479Val)

Gene: SCN8A (sodium voltage-gated channel alpha subunit 8; plus strand). Cytogenetic location: 12q13.13.
Variant type: single nucleotide variant.
Coding change: c.4435A>G on transcript NM_001330260.2 (MANE Select); coding-DNA position 4435, A replaced by G.
Protein change: p.Ile1479Val; replaces isoleucine 1479 with valine.
Molecular consequence: missense variant.
Genome position (GRCh38, 1-based): chr12:51,790,413, A>G. VCF-style: chr12-51790413-A-G. GRCh37 (hg19) VCF-style: chr12-52184197-A-G.
Other names: c.4312A>G, p.Ile1438Val (NM_001177984.3, NM_001369788.1); c.4435A>G, p.Ile1479Val (NM_014191.4); short protein forms I1479V, I1438V.
Identifiers: ClinVar variation 207120 (VCV000207120.8), dbSNP rs796053217, ClinGen allele CA318278.
Genomic context (GRCh38, chr12:51,790,413, plus strand): 5'-TTGAGAGCCAGTTGTAATTGTCTGTTTTCTTCTTCCCTCCTTTACTTCGGAGGTCAGGAC[A>G]TCTTCATGACCGAAGAACAGAAGAAGTACTACAATGCCATGAAAAAGCTGGGCTCAAAGA-3'
Protein context (NP_001317189.1, residues 1469-1489): QQKKKFGGQD[Ile1479Val]FMTEEQKKYY

ClinVar aggregate classification (germline): Pathogenic. Review status: criteria provided, single submitter (1 of 4 stars). 3 submissions from 3 submitters: Pathogenic (1). 2 of the submissions do not count toward it. Last evaluated 2015-08-10.

Conditions:
SCN8A-related disorder.
Developmental and epileptic encephalopathy, 13 (DEE13). Also called: SCN8A-Related Epilepsy; Early infantile epileptic encephalopathy 13; Developmental and Epileptic Encephalopathy (SCN8A-DEE). Identifiers: Orphanet 442835, MedGen C3281191, MONDO:0013801, OMIM 614558.

Submissions (3):

Genetic Services Laboratory, University of Chicago
Classification: Pathogenic for Epileptic encephalopathy, early infantile, 13. Last evaluated: 2015-08-10. Review status: criteria provided, single submitter. Criteria: ACMG Guidelines, 2015. Collection method: clinical testing. Allele origin: germline. Affected: yes.

PreventionGenetics, part of Exact Sciences
Classification: Pathogenic for SCN8A-related condition. Last evaluated: 2024-07-03. Review status: no assertion criteria provided. Collection method: clinical testing. Allele origin: germline. Not counted in ClinVar's aggregate classification.
Comment: The SCN8A c.4435A>G variant is predicted to result in the amino acid substitution p.Ile1479Val. This variant has been reported (with de novo occurrence in at least two cases) in individuals with epileptic encephalopathy (Larsen et al 2015. PubMed ID: 25568300; Brunklaus A et al 2020. PubMed ID: 32090326; PreventionGenetics internal data). This variant has not been reported in a large population database, indicating it is rare. This variant is interpreted as pathogenic.

GeneReviews
No classification provided. Condition: Developmental and epileptic encephalopathy, 13. Review status: no classification provided. Collection method: literature only. Allele origin: germline. Affected: yes. Not counted in ClinVar's aggregate classification.

Literature cited by the submitters: PubMed 25568300 (cited by GeneReviews); NCBI Bookshelf NBK379665 (cited by GeneReviews).